The following is an entry in ClinVar:

ClinVar aggregate classification (germline): Uncertain significance. Review status: criteria provided, multiple submitters, no conflicts (2 of 4 stars). 2 submissions from 2 submitters: Uncertain significance (2). Last evaluated 2023-02-15.

Conditions:
Hereditary cancer-predisposing syndrome. Also called: Neoplastic Syndromes, Hereditary; Hereditary Cancer Syndrome; Tumor predisposition; Hereditary neoplastic syndrome. Identifiers: Orphanet 140162, MedGen C0027672, MeSH D009386, MONDO:0015356.
Peutz-Jeghers syndrome (PJS). Also called: POLYPOSIS, HAMARTOMATOUS INTESTINAL; POLYPS-AND-SPOTS SYNDROME; Peutz-Jeghers polyposis; Periorificial lentiginosis syndrome. Identifiers: Orphanet 2869, MedGen C0031269, MeSH D010580, MONDO:0008280, OMIM 175200.

Submissions (2):

Labcorp Genetics (formerly Invitae), Labcorp
Classification: Uncertain significance for Peutz-Jeghers syndrome. Last evaluated: 2023-02-15. Review status: criteria provided, single submitter. Criteria: Invitae Variant Classification Sherloc (09022015). Collection method: clinical testing. Allele origin: germline.
Comment: This sequence change replaces histidine, which is basic and polar, with glutamine, which is neutral and polar, at codon 379 of the STK11 protein (p.His379Gln). This variant is not present in population databases (gnomAD no frequency). This variant has not been reported in the literature in individuals affected with STK11-related conditions. ClinVar contains an entry for this variant (Variation ID: 1435334). Advanced modeling of protein sequence and biophysical properties (such as structural, functional, and spatial information, amino acid conservation, physicochemical variation, residue mobility, and thermodynamic stability) performed at Invitae indicates that this missense variant is not expected to disrupt STK11 protein function. In summary, the available evidence is currently insufficient to determine the role of this variant in disease. Therefore, it has been classified as a Variant of Uncertain Significance.

Color Diagnostics, LLC DBA Color Health
Classification: Uncertain significance for Hereditary cancer-predisposing syndrome. Last evaluated: 2021-09-07. Review status: criteria provided, single submitter. Criteria: ACMG Guidelines, 2015. Collection method: clinical testing. Allele origin: germline.
Comment: This missense variant replaces histidine with glutamine at codon 379 of the STK11 protein. Computational prediction suggests that this variant may not impact protein structure and function (internally defined REVEL score threshold <= 0.5, PMID: 27666373). To our knowledge, functional studies have not been reported for this variant. This variant has not been reported in individuals affected with hereditary cancer in the literature. This variant has not been identified in the general population by the Genome Aggregation Database (gnomAD). The available evidence is insufficient to determine the role of this variant in disease conclusively. Therefore, this variant is classified as a Variant of Uncertain Significance.

NM_000455.5(STK11):c.1137C>A (p.His379Gln)

Gene: STK11 (serine/threonine kinase 11; plus strand). Cytogenetic location: 19p13.3.
Variant type: single nucleotide variant.
Coding change: c.1137C>A on transcript NM_000455.5 (MANE Select); coding-DNA position 1137, C replaced by A.
Protein change: p.His379Gln; replaces histidine 379 with glutamine.
Molecular consequence: missense variant.
Genome position (GRCh38, 1-based): chr19:1,226,482, C>A. VCF-style: chr19-1226482-C-A. GRCh37 (hg19) VCF-style: chr19-1226481-C-A.
Other names: short protein forms H379Q.
Identifiers: ClinVar variation 1435334 (VCV001435334.8), dbSNP rs786201505, ClinGen allele CA402953270.